The following is an entry in ClinVar:

NM_198291.3(SRC):c.1023G>A (p.Thr341=)

Gene: SRC (SRC proto-oncogene, non-receptor tyrosine kinase; plus strand). Cytogenetic location: 20q11.23.
Variant type: single nucleotide variant.
Coding change: c.1023G>A on transcript NM_198291.3 (MANE Select); coding-DNA position 1023, G replaced by A.
Protein change: p.Thr341=; no amino-acid change (threonine 341 retained).
Molecular consequence: synonymous variant.
Genome position (GRCh38, 1-based): chr20:37,400,278, G>A. VCF-style: chr20-37400278-G-A. GRCh37 (hg19) VCF-style: chr20-36028681-G-A.
Other names: c.1023G>A, p.Thr341= (NM_005417.5).
Identifiers: ClinVar variation 4977534 (VCV004977534.1).

ClinVar aggregate classification (germline): Likely benign (1 of 4 stars; one submission).

Conditions:
SRC-related disorder. Also called: SRC-related condition.

gnomAD v4.1: 37 of 1,612,878 alleles (0.0023%); highest among the groups gnomAD compares: Admixed American, 0.043%; no homozygotes.

Submission:

PreventionGenetics, part of Exact Sciences
Classification: Likely benign for SRC-related condition. Last evaluated: 2025-05-09. Review status: criteria provided, single submitter. Criteria: ACMG Guidelines, 2015. Collection method: clinical testing. Allele origin: germline.
Comment: This variant is classified as likely benign based on ACMG/AMP sequence variant interpretation guidelines (Richards et al. 2015 PMID: 25741868, with internal and published modifications).